The following is an entry in ClinVar:

NM_003797.5(EED):c.969T>A (p.Ser323=)

Gene: EED (embryonic ectoderm development; plus strand). Cytogenetic location: 11q14.2.
Variant type: single nucleotide variant.
Coding change: c.969T>A on transcript NM_003797.5 (MANE Select); coding-DNA position 969, T replaced by A.
Protein change: p.Ser323=; no amino-acid change (serine 323 retained).
Molecular consequence: synonymous variant.
Genome position (GRCh38, 1-based): chr11:86,276,982, T>A. VCF-style: chr11-86276982-T-A. GRCh37 (hg19) VCF-style: chr11-85988024-T-A.
Other names: c.969T>A (NM_003797.4); c.1044T>A, p.Ser348= (NM_001308007.2); c.729T>A, p.Ser243= (NM_001330334.2).
Identifiers: ClinVar variation 2817389 (VCV002817389.6), dbSNP rs140412401, ClinGen allele CA6216550.

ClinVar aggregate classification (germline): Likely benign. Review status: criteria provided, multiple submitters, no conflicts (2 of 4 stars). 3 submissions from 3 submitters: Likely benign (2). 1 of the submissions does not count toward it. Last evaluated 2025-12-16.

Conditions:
Cohen-Gibson syndrome (COGIS). Also called: EED-Related Overgrowth. Identifiers: Orphanet 659396, MedGen C4479654, MONDO:0060510, OMIM 617561.
EED-related disorder. Also called: EED-related condition.

Allele frequency attached by ClinVar (database versions not stated): gnomAD exomes 0.00002; ExAC 0.00008; 1000 Genomes Project 30x 0.00031; gnomAD 0.00032; TOPMed 0.00037; 1000 Genomes Project 0.00040; ESP Exome Variant Server 0.00054.
gnomAD v4.1: 77 of 1,519,960 alleles (0.0051%); highest among the groups gnomAD compares: African/African-American, 0.096%; 1 homozygote.

Submissions (3):

Labcorp Genetics (formerly Invitae), Labcorp
Classification: Likely benign for Cohen-Gibson syndrome. Last evaluated: 2025-12-16. Review status: criteria provided, single submitter. Criteria: Invitae Variant Classification Sherloc (09022015). Collection method: clinical testing. Allele origin: germline.

Blueprint Genetics
Classification: Likely benign. Last evaluated: 2020-04-21. Review status: criteria provided, single submitter. Criteria: ACMG Guidelines, 2015. Collection method: clinical testing. Allele origin: germline.

PreventionGenetics, part of Exact Sciences
Classification: Likely benign for EED-related condition. Last evaluated: 2019-08-29. Review status: no assertion criteria provided. Collection method: clinical testing. Allele origin: germline. Not counted in ClinVar's aggregate classification.
Comment: This variant is classified as likely benign based on ACMG/AMP sequence variant interpretation guidelines (Richards et al. 2015 PMID: 25741868, with internal and published modifications).